The following is an entry in ClinVar:

NM_001283009.2(RTEL1):c.917C>T (p.Pro306Leu)

Genes: RTEL1 (regulator of telomere elongation helicase 1; plus strand), RTEL1-TNFRSF6B (RTEL1-TNFRSF6B readthrough (NMD candidate); plus strand). Cytogenetic location: 20q13.33.
Variant type: single nucleotide variant.
Coding change: c.917C>T on transcript NM_001283009.2 (MANE Select); coding-DNA position 917, C replaced by T.
Protein change: p.Pro306Leu; replaces proline 306 with leucine.
Molecular consequence: missense variant. On other transcripts: non-coding transcript variant (1).
Genome position (GRCh38, 1-based): chr20:63,674,091, C>T. VCF-style: chr20-63674091-C-T. GRCh37 (hg19) VCF-style: chr20-62305444-C-T.
Other names: c.917C>T, p.Pro306Leu (NM_016434.4); c.989C>T, p.Pro330Leu (NM_032957.5); c.248C>T, p.Pro83Leu (NM_001283010.1); short protein forms P306L, P330L, P83L.
Identifiers: ClinVar variation 4157704 (VCV004157704.1).
Genomic context (GRCh38, chr20:63,674,091, plus strand): 5'-AGACCAAGGCAGCGCAGCAGGGTGAGCCCCACCCGGAGTTCAGCGCGGACTCCCCCAGCC[C>T]AGGTGCGTTCATAGCCAGACTGCTTGGTCCTGAGGCCTGCGCTGCTGCAGGGTGAGCCCC-3'
Protein context (NP_001269938.1, residues 296-316): HPEFSADSPS[Pro306Leu]GLNMELEDIA

ClinVar aggregate classification (germline): Uncertain significance (1 of 4 stars; one submission).

Conditions:
Inborn genetic diseases. Identifiers: MedGen C0950123, MeSH D030342.

gnomAD v4.1: 2 of 1,608,750 alleles (0.00012%); highest among the groups gnomAD compares: East Asian, 0.0045%; no homozygotes.

Submission:

Ambry Genetics
Classification: Uncertain significance for Inborn genetic diseases. Last evaluated: 2025-08-25. Review status: criteria provided, single submitter. Criteria: Ambry Variant Classification Scheme 2023. Collection method: clinical testing. Allele origin: germline.
Comment: The p.P306L variant (also known as c.917C>T), located in coding exon 9 of the RTEL1 gene, results from a C to T substitution at nucleotide position 917. The proline at codon 306 is replaced by leucine, an amino acid with similar properties. This amino acid position is conserved. In addition, this alteration is predicted to be tolerated by in silico analysis. Based on the available evidence, the clinical significance of this variant remains unclear.